The following is an entry in ClinVar:

NM_002354.3(EPCAM):c.601C>G (p.Gln201Glu)

Gene: EPCAM (epithelial cell adhesion molecule; plus strand). Cytogenetic location: 2p21.
Variant type: single nucleotide variant.
Coding change: c.601C>G on transcript NM_002354.3 (MANE Select); coding-DNA position 601, C replaced by G.
Protein change: p.Gln201Glu; replaces glutamine 201 with glutamic acid.
Molecular consequence: missense variant.
Genome position (GRCh38, 1-based): chr2:47,378,998, C>G. VCF-style: chr2-47378998-C-G. GRCh37 (hg19) VCF-style: chr2-47606137-C-G.
Other names: short protein forms Q201E.
Identifiers: ClinVar variation 239135 (VCV000239135.12), dbSNP rs878854493, ClinGen allele CA10581983.

ClinVar aggregate classification (germline): Uncertain significance. Review status: criteria provided, multiple submitters, no conflicts (2 of 4 stars). 2 submissions from 2 submitters: Uncertain significance (2). Last evaluated 2024-06-06.

Conditions:
Hereditary cancer-predisposing syndrome. Also called: Neoplastic Syndromes, Hereditary; Hereditary neoplastic syndrome; Tumor predisposition; Hereditary Cancer Syndrome. Identifiers: Orphanet 140162, MedGen C0027672, MeSH D009386, MONDO:0015356.

Allele frequency attached by ClinVar (database versions not stated): TOPMed below 0.00001.

Submissions (2):

Ambry Genetics
Classification: Uncertain significance for Hereditary cancer-predisposing syndrome. Last evaluated: 2024-06-06. Review status: criteria provided, single submitter. Criteria: Ambry Variant Classification Scheme 2023. Collection method: clinical testing. Allele origin: germline.
Comment: The p.Q201E variant (also known as c.601C>G), located in coding exon 6 of the EPCAM gene, results from a C to G substitution at nucleotide position 601. The glutamine at codon 201 is replaced by glutamic acid, an amino acid with highly similar properties. This amino acid position is conserved. In addition, this alteration is predicted to be tolerated by in silico analysis. Since supporting evidence is limited at this time, the clinical significance of this alteration remains unclear.

Labcorp Genetics (formerly Invitae), Labcorp
Classification: Uncertain significance. Last evaluated: 2015-12-22. Review status: criteria provided, single submitter. Criteria: Invitae Variant Classification Sherloc (09022015). Collection method: clinical testing. Allele origin: germline.
Comment: This sequence change replaces glutamine with glutamic acid at codon 201 of the EPCAM protein (p.Gln201Glu). The glutamine residue is moderately conserved and there is a small physicochemical difference between glutamine and glutamic acid. This variant is not present in population databases (ExAC no frequency) and has not been reported in the literature in individuals with a EPCAM-related disease. Algorithms developed to predict the effect of missense changes on protein structure and function (SIFT, PolyPhen-2, Align-GVGD) all suggest that this variant is likely to be tolerated, but these predictions have not been confirmed by published functional studies. Furthermore, the glutamic acid amino acid residue is found in multiple mammalian species, suggesting that this missense change does not adversely affect protein function. In summary, this is a novel missense change that is not predicted to affect protein function or cause disease. However the evidence is insufficient at this time to prove that conclusively. It has been classified as a Variant of Uncertain Significance.